The following is an entry in ClinVar:

NM_001110556.2(FLNA):c.1371C>T (p.His457=)

Gene: FLNA (filamin A; minus strand). Cytogenetic location: Xq28.
Variant type: single nucleotide variant.
Coding change: c.1371C>T on transcript NM_001110556.2 (MANE Select); coding-DNA position 1371, C replaced by T.
Protein change: p.His457=; no amino-acid change (histidine 457 retained).
Molecular consequence: synonymous variant.
Genome position (GRCh38, 1-based): chrX:154,366,082, G>A on the plus strand (C>T on the coding strand, the complement: FLNA is on the minus strand). VCF-style: chrX-154366082-G-A. GRCh37 (hg19) VCF-style: chrX-153594450-G-A.
Other names: c.1371C>T, p.His457= (NM_001456.4).
Identifiers: ClinVar variation 381147 (VCV000381147.11), dbSNP rs202112979, ClinGen allele CA10561199.
Genomic context (GRCh38, chrX:154,366,082, plus strand): 5'-ACCTTGGCCAACAGTGACAGTGTAGGGGCTGCGAGGGATGGGCACGCCGGCAAACGTGAC[G>A]TGCACGGTGTGGACGCCCTCCATGGTGGGCTGGTAGCTGCAGCGGTATGTGCTGTCGCCC-3'
Protein context (NP_001104026.1, residues 447-467): QPTMEGVHTV[His457=]VTFAGVPIPR

ClinVar aggregate classification (germline): Likely benign. Review status: criteria provided, multiple submitters, no conflicts (2 of 4 stars). 4 submissions from 4 submitters: Likely benign (4). Last evaluated 2025-12-29.

Conditions:
Oto-palato-digital syndrome, type II (OPD2). Also called: FACIOPALATOOSSEOUS SYNDROME; OPD II SYNDROME; Otopalatodigital Syndrome Type 2 (FLNA-OPD2); Otopalatodigital Syndrome, Type II. Identifiers: Orphanet 669, Orphanet 90652, MedGen C1844696, MONDO:0010571, OMIM 304120.
Heterotopia, periventricular, X-linked dominant (PVNH1). Also called: PERIVENTRICULAR NODULAR HETEROTOPIA 1; X-linked periventricular heterotopia; PERIVENTRICULAR NODULAR HETEROTOPIA 4; HETEROTOPIA, PERIVENTRICULAR, 1. Identifiers: Orphanet 2149, Orphanet 82004, MedGen C1848213, MONDO:0010233, OMIM 300049.
Frontometaphyseal dysplasia (FMD1). Identifiers: Orphanet 1826, MedGen C0265293, MONDO:0015942.
Melnick-Needles syndrome (MNS). Also called: MELNICK-NEEDLES OSTEODYSPLASTY; OSTEODYSPLASTY OF MELNICK AND NEEDLES; Melnick-Needles Syndrome (FLNA-MNS). Identifiers: Orphanet 2484, MedGen C0025237, MONDO:0010650, OMIM 309350.
Familial thoracic aortic aneurysm and aortic dissection (TAAD). Also called: Thoracic aortic aneurysms and dissections. Identifiers: Orphanet 91387, MedGen C4707243, MONDO:0019625.

Allele frequency attached by ClinVar (database versions not stated): gnomAD exomes below 0.00001 and 0.00001; ExAC 0.00001; gnomAD 0.00001; 1000 Genomes Project 30x 0.00021; 1000 Genomes Project 0.00026.
gnomAD v4.1: 6 of 1,209,135 alleles (0.0005%); highest among the groups gnomAD compares: African/African-American, 0.0087%; no homozygotes.

Submissions (4):

Labcorp Genetics (formerly Invitae), Labcorp
Classification: Likely benign for Oto-palato-digital syndrome, type II; Heterotopia, periventricular, X-linked dominant; Frontometaphyseal dysplasia; Melnick-Needles syndrome. Last evaluated: 2025-12-29. Review status: criteria provided, single submitter. Criteria: Invitae Variant Classification Sherloc (09022015). Collection method: clinical testing. Allele origin: germline.

Women's Health and Genetics/Laboratory Corporation of America, LabCorp
Classification: Likely benign. Last evaluated: 2025-09-14. Review status: criteria provided, single submitter. Criteria: LabCorp Variant Classification Summary - May 2015. Collection method: clinical testing. Allele origin: germline.

Ambry Genetics
Classification: Likely benign for Familial thoracic aortic aneurysm and aortic dissection. Last evaluated: 2022-12-14. Review status: criteria provided, single submitter. Criteria: Ambry Variant Classification Scheme 2023. Collection method: clinical testing. Allele origin: germline.

GeneDx
Classification: Likely benign. Last evaluated: 2015-11-04. Review status: criteria provided, single submitter. Criteria: GeneDx Variant Classification (06012015). Collection method: clinical testing. Allele origin: germline. Affected: yes.
Comment: This variant is considered likely benign or benign based on one or more of the following criteria: it is a conservative change, it occurs at a poorly conserved position in the protein, it is predicted to be benign by multiple in silico algorithms, and/or has population frequency not consistent with disease.